The following is an entry in ClinVar:

ClinVar aggregate classification (germline): Likely benign. Review status: criteria provided, multiple submitters, no conflicts (2 of 4 stars). 3 submissions from 3 submitters: Likely benign (2). 1 of the submissions does not count toward it. Last evaluated 2023-03-01.

Conditions:
ARHGAP32-related disorder. Also called: ARHGAP32-related condition.

Allele frequency attached by ClinVar (database versions not stated): 1000 Genomes Project 0.00060; 1000 Genomes Project 30x 0.00078; gnomAD 0.00078 and 0.00079; TOPMed 0.00080; gnomAD exomes 0.00089 and 0.00124; ESP Exome Variant Server 0.00093; ExAC 0.00099.
gnomAD v4.1: 1,891 of 1,613,906 alleles (0.12%); highest among the groups gnomAD compares: Non-Finnish European, 0.15%; 1 homozygote.

Submissions (3):

CeGaT Center for Human Genetics Tuebingen
Classification: Likely benign. Last evaluated: 2023-03-01. Review status: criteria provided, single submitter. Criteria: CeGaT Center For Human Genetics Tuebingen Variant Classification Criteria Version 2. Collection method: clinical testing. Allele origin: germline. Affected: yes. Observed: 1 variant allele.
Comment: ARHGAP32: BP4, BP7

Labcorp Genetics (formerly Invitae), Labcorp
Classification: Likely benign. Last evaluated: 2019-12-31. Review status: criteria provided, single submitter. Criteria: Invitae Variant Classification Sherloc (09022015). Collection method: clinical testing. Allele origin: germline.

PreventionGenetics, part of Exact Sciences
Classification: Likely benign for ARHGAP32-related condition. Last evaluated: 2019-08-06. Review status: no assertion criteria provided. Collection method: clinical testing. Allele origin: germline. Not counted in ClinVar's aggregate classification.
Comment: This variant is classified as likely benign based on ACMG/AMP sequence variant interpretation guidelines (Richards et al. 2015 PMID: 25741868, with internal and published modifications).

NM_001378024.1(ARHGAP32):c.3105C>T (p.Ser1035=)

Gene: ARHGAP32 (Rho GTPase activating protein 32; minus strand). Cytogenetic location: 11q24.3.
Variant type: single nucleotide variant.
Coding change: c.3105C>T on transcript NM_001378024.1 (MANE Select); coding-DNA position 3105, C replaced by T.
Protein change: p.Ser1035=; no amino-acid change (serine 1035 retained).
Molecular consequence: synonymous variant.
Genome position (GRCh38, 1-based): chr11:128,973,401, G>A on the plus strand (C>T on the coding strand, the complement: ARHGAP32 is on the minus strand). VCF-style: chr11-128973401-G-A. GRCh37 (hg19) VCF-style: chr11-128843296-G-A.
Other names: c.3063C>T, p.Ser1021= (NM_001142685.2); c.2943C>T, p.Ser981= (NM_001378025.1); c.2016C>T, p.Ser672= (NM_014715.4).
Identifiers: ClinVar variation 778074 (VCV000778074.29), dbSNP rs143245403, ClinGen allele CA6358824.